The following is an entry in ClinVar:

NM_005120.3(MED12):c.1892C>T (p.Pro631Leu)

Gene: MED12 (mediator complex subunit 12; plus strand). Cytogenetic location: Xq13.1.
Variant type: single nucleotide variant.
Coding change: c.1892C>T on transcript NM_005120.3 (MANE Select); coding-DNA position 1892, C replaced by T.
Protein change: p.Pro631Leu; replaces proline 631 with leucine.
Molecular consequence: missense variant.
Genome position (GRCh38, 1-based): chrX:71,124,306, C>T. VCF-style: chrX-71124306-C-T. GRCh37 (hg19) VCF-style: chrX-70344156-C-T.
Other names: short protein forms P631L.
Identifiers: ClinVar variation 391620 (VCV000391620.5), dbSNP rs1057524167, ClinGen allele CA16608560.

ClinVar aggregate classification (germline): Uncertain significance. Review status: criteria provided, multiple submitters, no conflicts (2 of 4 stars). 2 submissions from 2 submitters: Uncertain significance (2). Last evaluated 2024-06-25.

Conditions:
FG syndrome (FGS). Identifiers: MedGen C0220769, MONDO:0002010.

Submissions (2):

Labcorp Genetics (formerly Invitae), Labcorp
Classification: Uncertain significance for FG syndrome. Last evaluated: 2024-06-25. Review status: criteria provided, single submitter. Criteria: Invitae Variant Classification Sherloc (09022015). Collection method: clinical testing. Allele origin: germline.
Comment: This sequence change replaces proline, which is neutral and non-polar, with leucine, which is neutral and non-polar, at codon 631 of the MED12 protein (p.Pro631Leu). This variant is not present in population databases (gnomAD no frequency). This variant has not been reported in the literature in individuals affected with MED12-related conditions. ClinVar contains an entry for this variant (Variation ID: 391620). Advanced modeling of protein sequence and biophysical properties (such as structural, functional, and spatial information, amino acid conservation, physicochemical variation, residue mobility, and thermodynamic stability) performed at Invitae indicates that this missense variant is not expected to disrupt MED12 protein function with a negative predictive value of 95%. In summary, the available evidence is currently insufficient to determine the role of this variant in disease. Therefore, it has been classified as a Variant of Uncertain Significance.

GeneDx
Classification: Uncertain significance. Last evaluated: 2020-02-27. Review status: criteria provided, single submitter. Criteria: GeneDx Variant Classification Process June 2021. Collection method: clinical testing. Allele origin: germline. Affected: yes.
Comment: Not observed in large population cohorts (Lek et al., 2016); In silico analysis supports that this missense variant has a deleterious effect on protein structure/function; Has not been previously published as pathogenic or benign to our knowledge